The following is an entry in ClinVar:

ClinVar aggregate classification (germline): Likely benign. Review status: criteria provided, multiple submitters, no conflicts (2 of 4 stars). 3 submissions from 3 submitters: Likely benign (3). Last evaluated 2025-04-08.

Conditions:
Hereditary cancer-predisposing syndrome. Also called: Hereditary Cancer Syndrome; Neoplastic Syndromes, Hereditary; Tumor predisposition; Hereditary neoplastic syndrome. Identifiers: Orphanet 140162, MedGen C0027672, MeSH D009386, MONDO:0015356.
Familial adenomatous polyposis 2. Also called: Adenomas, multiple colorectal; COLORECTAL ADENOMATOUS POLYPOSIS, AUTOSOMAL RECESSIVE; MYH-associated polyposis; FAP type 2; MUTYH-associated polyposis; MUTYH-related attenuated familial adenomatous polyposis. Identifiers: Orphanet 220460, Orphanet 247798, MedGen C3272841, MONDO:0012041, OMIM 608456.

gnomAD v4.1: 6 of 1,613,538 alleles (0.00037%); highest among the groups gnomAD compares: South Asian, 0.0011%; no homozygotes.

Submissions (3):

Labcorp Genetics (formerly Invitae), Labcorp
Classification: Likely benign for Familial adenomatous polyposis 2. Last evaluated: 2025-04-08. Review status: criteria provided, single submitter. Criteria: Invitae Variant Classification Sherloc (09022015). Collection method: clinical testing. Allele origin: germline.

Color Diagnostics, LLC DBA Color Health
Classification: Likely benign for Hereditary cancer-predisposing syndrome. Last evaluated: 2019-08-27. Review status: criteria provided, single submitter. Criteria: ACMG Guidelines, 2015. Collection method: clinical testing. Allele origin: germline.

GeneDx
Classification: Likely benign. Last evaluated: 2017-06-01. Review status: criteria provided, single submitter. Criteria: GeneDx Variant Classification (06012015). Collection method: clinical testing. Allele origin: germline. Affected: yes.
Comment: This variant is considered likely benign or benign based on one or more of the following criteria: it is a conservative change, it occurs at a poorly conserved position in the protein, it is predicted to be benign by multiple in silico algorithms, and/or has population frequency not consistent with disease.

NM_001128425.2(MUTYH):c.36+20C>T

Genes: MUTYH (mutY DNA glycosylase; minus strand), TOE1 (target of EGR1, exonuclease; plus strand). Cytogenetic location: 1p34.1.
Variant type: single nucleotide variant.
Coding change: c.36+20C>T on transcript NM_001128425.2 (MANE Plus Clinical); 20 bases into the intron after coding-DNA position 36, C replaced by T.
Molecular consequence: intron variant. On other transcripts: 5 prime UTR variant (1).
Genome position (GRCh38, 1-based): chr1:45,340,199, G>A on the plus strand (C>T on the coding strand, the complement: MUTYH is on the minus strand). VCF-style: chr1-45340199-G-A. GRCh37 (hg19) VCF-style: chr1-45805871-G-A.
Other names: c.-7+4C>T (NM_001407070.1, NM_001407071.1); c.-54G>A (NM_025077.4); c.-7+24C>T (NM_001407072.1); c.-214+20C>T (NM_001350651.2); c.-219+20C>T (NM_001293192.2); c.-278+20C>T (NM_001350650.2); c.36+20C>T (NM_001407073.1, NM_001293190.2, NM_001407069.1 and 1 more transcripts); c.-7+20C>T (NM_001048171.2).
Identifiers: ClinVar variation 509968 (VCV000509968.9), dbSNP rs540793556, ClinGen allele CA21846743.